The following is an entry in ClinVar:

NM_018713.3(SLC30A10):c.518C>A (p.Ala173Glu)

Gene: SLC30A10 (solute carrier family 30 member 10; minus strand). Cytogenetic location: 1q41.
Variant type: single nucleotide variant.
Coding change: c.518C>A on transcript NM_018713.3 (MANE Select); coding-DNA position 518, C replaced by A.
Protein change: p.Ala173Glu; replaces alanine 173 with glutamic acid.
Molecular consequence: missense variant. On other transcripts: non-coding transcript variant (1), intron variant (1).
Genome position (GRCh38, 1-based): chr1:219,927,923, G>T on the plus strand (C>A on the coding strand, the complement: SLC30A10 is on the minus strand). VCF-style: chr1-219927923-G-T. GRCh37 (hg19) VCF-style: chr1-220101265-G-T.
Other names: c.-196C>A (NM_001416005.1); c.452-818C>A (NM_001376929.1); short protein forms A173E.
Identifiers: ClinVar variation 2098891 (VCV002098891.4), dbSNP rs1426159086, ClinGen allele CA344733469.

ClinVar aggregate classification (germline): Uncertain significance (1 of 4 stars; one submission).

gnomAD v4.1: 1 of 1,537,362 alleles (0.000065%); highest among the groups gnomAD compares: South Asian, 0.0012%; no homozygotes.

Submission:

Labcorp Genetics (formerly Invitae), Labcorp
Classification: Uncertain significance. Last evaluated: 2022-03-05. Review status: criteria provided, single submitter. Criteria: Invitae Variant Classification Sherloc (09022015). Collection method: clinical testing. Allele origin: germline.
Comment: The frequency data for this variant in the population databases is considered unreliable, as metrics indicate poor data quality at this position in the gnomAD database. This variant has not been reported in the literature in individuals affected with SLC30A10-related conditions. Algorithms developed to predict the effect of missense changes on protein structure and function (SIFT, PolyPhen-2, Align-GVGD) all suggest that this variant is likely to be tolerated. In summary, the available evidence is currently insufficient to determine the role of this variant in disease. Therefore, it has been classified as a Variant of Uncertain Significance. This sequence change replaces alanine, which is neutral and non-polar, with glutamic acid, which is acidic and polar, at codon 173 of the SLC30A10 protein (p.Ala173Glu).